The following is an entry in ClinVar:

NM_153026.3(PRICKLE1):c.1752C>A (p.Asn584Lys)

Gene: PRICKLE1 (prickle planar cell polarity protein 1; minus strand). Cytogenetic location: 12q12.
Variant type: single nucleotide variant.
Coding change: c.1752C>A on transcript NM_153026.3 (MANE Select); coding-DNA position 1752, C replaced by A.
Protein change: p.Asn584Lys; replaces asparagine 584 with lysine.
Molecular consequence: missense variant.
Genome position (GRCh38, 1-based): chr12:42,460,553, G>T on the plus strand (C>A on the coding strand, the complement: PRICKLE1 is on the minus strand). VCF-style: chr12-42460553-G-T. GRCh37 (hg19) VCF-style: chr12-42854355-G-T.
Other names: c.1752C>A, p.Asn584Lys (NM_001144881.2, NM_001144882.2, NM_001144883.2); short protein forms N584K.
Identifiers: ClinVar variation 1779413 (VCV001779413.2), dbSNP rs2503379347, ClinGen allele CA384440964.

ClinVar aggregate classification (germline): Uncertain significance (1 of 4 stars; one submission).

Submission:

Ambry Genetics
Classification: Uncertain significance. Last evaluated: 2017-08-28. Review status: criteria provided, single submitter. Criteria: Ambry Variant Classification Scheme 2023. Collection method: clinical testing. Allele origin: germline.
Comment: The p.N584K variant (also known as c.1752C>A), located in coding exon 7 of the PRICKLE1 gene, results from a C to A substitution at nucleotide position 1752. The asparagine at codon 584 is replaced by lysine, an amino acid with similar properties. This amino acid position is highly conserved in available vertebrate species. In addition, this alteration is predicted to be tolerated by in silico analysis. Since supporting evidence is limited at this time, the clinical significance of this alteration remains unclear.